The following is an entry in ClinVar:

ClinVar aggregate classification (germline): Uncertain significance (1 of 4 stars; one submission).

Conditions:
Hereditary nonpolyposis colorectal neoplasms. Identifiers: MedGen C0009405, MeSH D003123.

Submission:

Labcorp Genetics (formerly Invitae), Labcorp
Classification: Uncertain significance for Hereditary nonpolyposis colorectal neoplasms. Last evaluated: 2022-09-01. Review status: criteria provided, single submitter. Criteria: Invitae Variant Classification Sherloc (09022015). Collection method: clinical testing. Allele origin: germline.
Comment: This variant is not present in population databases (gnomAD no frequency). This variant, c.4053_4072dup, is a complex sequence change that results in the deletion of 3 and insertion of 3 amino acid(s) in the MSH6 protein (p.Lys1358_Leu1360delinsIleAsnCys). This variant has not been reported in the literature in individuals affected with MSH6-related conditions. In summary, the available evidence is currently insufficient to determine the role of this variant in disease. Therefore, it has been classified as a Variant of Uncertain Significance. Algorithms developed to predict the effect of sequence changes on RNA splicing suggest that this variant may disrupt the consensus splice site. Experimental studies and prediction algorithms are not available or were not evaluated, and the functional significance of this variant is currently unknown. ClinVar contains an entry for this variant (Variation ID: 1359267).

NM_000179.3(MSH6):c.4053_4072dup (p.Lys1358delinsIleAsnCysTer)

Gene: MSH6 (mutS homolog 6; plus strand). Cytogenetic location: 2p16.3.
Variant type: Duplication.
Coding change: c.4053_4072dup on transcript NM_000179.3 (MANE Select); coding-DNA positions 4053 to 4072, 20 bases duplicated (TAAATTGCTGACTTTGATTA).
Protein change: p.Lys1358delinsIleAsnCysTer.
Molecular consequence: nonsense.
Genome position (GRCh38, 1-based): chr2:47,806,830-47,806,849, TAAATTGCTGACTTTGATTA duplicated; duplicating any 20 consecutive bases within chr2:47,806,829-47,806,849 gives the same sequence; the c. name uses the placement nearest the transcript's 3' end. VCF-style (leftmost placement, unchanged base first): chr2-47806828-C-CATAAATTGCTGACTTTGATT. GRCh37 (hg19) VCF-style: chr2-48033967-C-CATAAATTGCTGACTTTGATT.
Other names: c.3663_3682dup, p.Lys1228delinsIleAsnCysTer (NM_001281492.2); c.3147_3166dup, p.Lys1056delinsIleAsnCysTer (NM_001281493.2, NM_001281494.2).
Identifiers: ClinVar variation 1359267 (VCV001359267.6), dbSNP rs2104583465, ClinGen allele CA2573134812.
Genomic context (GRCh38, chr2:47,806,828, plus strand): 5'-TTAATTTTAAGGGAAGTTTGCCTGGCTAGTGAAAGGTCAACTGTAGATGCTGAAGCTGTC[C>CATAAATTGCTGACTTTGATT]ATAAATTGCTGACTTTGATTAAGGAATTATAGACTGACTACATTGGAAGCTTTGAGTTGA-3'